The following is an entry in ClinVar:

NM_018052.5(VAC14):c.2310C>A (p.Ser770Arg)

Gene: VAC14 (VAC14 component of PIKFYVE complex; minus strand). Cytogenetic location: 16q22.1.
Variant type: single nucleotide variant.
Coding change: c.2310C>A on transcript NM_018052.5 (MANE Select); coding-DNA position 2310, C replaced by A.
Protein change: p.Ser770Arg; replaces serine 770 with arginine.
Molecular consequence: missense variant.
Genome position (GRCh38, 1-based): chr16:70,687,967, G>T on the plus strand (C>A on the coding strand, the complement: VAC14 is on the minus strand). VCF-style: chr16-70687967-G-T. GRCh37 (hg19) VCF-style: chr16-70721870-G-T.
Other names: c.1608C>A, p.Ser536Arg (NM_001351157.2); c.2310C>A (NM_018052.3); short protein forms S770R, S536R.
Identifiers: ClinVar variation 1477394 (VCV001477394.4), dbSNP rs200092069, ClinGen allele CA8147325.
Genomic context (GRCh38, chr16:70,687,967, plus strand): 5'-CCCTCCTCCGTGCCAGGCCTGTCAGAGGACAACCCTCCGGTCCAGGTGGTCCCCACGCCC[G>T]CTCCGCTGGTGCCGCACTTCCAGGTGCTTGTTCTGGACCTTCTCAAAGTGCTGCAGCAGC-3'
Protein context (NP_060522.3, residues 760-780): NKHLEVRHQR[Ser770Arg]GRGDHLDRRV

ClinVar aggregate classification (germline): Uncertain significance. Review status: criteria provided, multiple submitters, no conflicts (2 of 4 stars). 2 submissions from 2 submitters: Uncertain significance (2). Last evaluated 2024-12-11.

Conditions:
Inborn genetic diseases. Identifiers: MedGen C0950123, MeSH D030342.

gnomAD v4.1: 101 of 1,589,472 alleles (0.0064%); highest among the groups gnomAD compares: South Asian, 0.1%; 1 homozygote.

Submissions (2):

Ambry Genetics
Classification: Uncertain significance for Inborn genetic diseases. Last evaluated: 2024-12-11. Review status: criteria provided, single submitter. Criteria: Ambry Variant Classification Scheme 2023. Collection method: clinical testing. Allele origin: germline.

Labcorp Genetics (formerly Invitae), Labcorp
Classification: Uncertain significance. Last evaluated: 2022-06-11. Review status: criteria provided, single submitter. Criteria: Invitae Variant Classification Sherloc (09022015). Collection method: clinical testing. Allele origin: germline.
Comment: This sequence change replaces serine, which is neutral and polar, with arginine, which is basic and polar, at codon 770 of the VAC14 protein (p.Ser770Arg). This variant is present in population databases (rs200092069, gnomAD 0.1%). This variant has not been reported in the literature in individuals affected with VAC14-related conditions. Algorithms developed to predict the effect of missense changes on protein structure and function (SIFT, PolyPhen-2, Align-GVGD) all suggest that this variant is likely to be tolerated. In summary, the available evidence is currently insufficient to determine the role of this variant in disease. Therefore, it has been classified as a Variant of Uncertain Significance.